The following is an entry in ClinVar:

NM_018082.6(POLR3B):c.3237C>T (p.Val1079=)

Genes: POLR3B (RNA polymerase III subunit B; plus strand), RFX4-AS1 (RFX4 antisense RNA 1; minus strand). Cytogenetic location: 12q23.3.
Variant type: single nucleotide variant.
Coding change: c.3237C>T on transcript NM_018082.6 (MANE Select); coding-DNA position 3237, C replaced by T.
Protein change: p.Val1079=; no amino-acid change (valine 1079 retained).
Molecular consequence: synonymous variant.
Genome position (GRCh38, 1-based): chr12:106,504,219, C>T. VCF-style: chr12-106504219-C-T. GRCh37 (hg19) VCF-style: chr12-106897997-C-T.
Other names: c.3063C>T, p.Val1021= (NM_001160708.2); c.3237C>T (NM_018082.5).
Identifiers: ClinVar variation 1672065 (VCV001672065.12), dbSNP rs188914862, ClinGen allele CA6762430.
Genomic context (GRCh38, chr12:106,504,219, plus strand): 5'-AGCCAGTATGCTTTTGCTAGAGAGACTAATGATTTCAAGTGATGCCTTTGAGGTTGATGT[C>T]TGTGGGCAGTGTGGACTTCTGGGGTATTCTGGCTGGTAAGTGGATACCATATGTCTCCCA-3'
Protein context (NP_060552.4, residues 1069-1089): MISSDAFEVD[Val1079=]CGQCGLLGYS

ClinVar aggregate classification (germline): Likely benign. Review status: criteria provided, multiple submitters, no conflicts (2 of 4 stars). 5 submissions from 5 submitters: Likely benign (5). Last evaluated 2026-09-01.

Conditions:
POLR3B-related disorder. Also called: POLR3B-related condition; POLR3B-related disorders. Identifiers: MedGen CN378588, MONDO:0700277.

Allele frequency attached by ClinVar (database versions not stated): gnomAD exomes 0.00003 and 0.00008; ExAC 0.00007; ESP Exome Variant Server 0.00008; 1000 Genomes Project 30x 0.00016; gnomAD 0.00017 and 0.00018; 1000 Genomes Project 0.00020; TOPMed 0.00030.
gnomAD v4.1: 85 of 1,614,120 alleles (0.0053%); highest among the groups gnomAD compares: Admixed American, 0.07%; 1 homozygote.

Submissions (5):

CeGaT Center for Human Genetics Tuebingen
Classification: Likely benign. Last evaluated: 2026-09-01. Review status: criteria provided, single submitter. Criteria: CeGaT Center For Human Genetics Tuebingen Variant Classification Criteria Version 2. Collection method: clinical testing. Allele origin: germline. Affected: yes. Observed: 1 variant allele.
Comment: POLR3B: BP4, BP7

Labcorp Genetics (formerly Invitae), Labcorp
Classification: Likely benign. Last evaluated: 2026-01-04. Review status: criteria provided, single submitter. Criteria: Invitae Variant Classification Sherloc (09022015). Collection method: clinical testing. Allele origin: germline.

PreventionGenetics, part of Exact Sciences
Classification: Likely benign for POLR3B-related condition. Last evaluated: 2025-11-02. Review status: criteria provided, single submitter. Criteria: ACMG Guidelines, 2015. Collection method: clinical testing. Allele origin: germline.
Comment: This variant is classified as likely benign based on ACMG/AMP sequence variant interpretation guidelines (Richards et al. 2015 PMID: 25741868, with internal and published modifications).

Blueprint Genetics
Classification: Likely benign. Last evaluated: 2023-03-02. Review status: criteria provided, single submitter. Criteria: ACMG Guidelines, 2015. Collection method: clinical testing. Allele origin: germline.

Breakthrough Genomics
Classification: Likely benign. Review status: criteria provided, single submitter. Criteria: ACMG Guidelines, 2015. Collection method: not provided. Allele origin: germline. Inheritance: Autosomal recessive inheritance. Affected: yes.